The following is an entry in ClinVar:

ClinVar aggregate classification (germline): Uncertain significance (1 of 4 stars; one submission).

Conditions:
Hereditary breast ovarian cancer syndrome. Also called: Hereditary breast and ovarian cancer syndrome; Hereditary breast and ovarian cancer syndrome (HBOC); BRCA1- and BRCA2-Associated Hereditary Breast and Ovarian Cancer; Hereditary breast and ovarian cancer; Breast and ovarian cancer; Hereditary breast and/or ovarian cancer syndrome. Identifiers: Orphanet 145, MedGen C0677776, MeSH D061325, MONDO:0003582. Disease mechanism: loss of function.

Submission:

Labcorp Genetics (formerly Invitae), Labcorp
Classification: Uncertain significance for Hereditary breast ovarian cancer syndrome. Last evaluated: 2024-08-19. Review status: criteria provided, single submitter. Criteria: Invitae Variant Classification Sherloc (09022015). Collection method: clinical testing. Allele origin: germline.
Comment: This sequence change replaces isoleucine, which is neutral and non-polar, with valine, which is neutral and non-polar, at codon 1697 of the BRCA2 protein (p.Ile1697Val). This variant is not present in population databases (gnomAD no frequency). This variant has not been reported in the literature in individuals affected with BRCA2-related conditions. Invitae Evidence Modeling of protein sequence and biophysical properties (such as structural, functional, and spatial information, amino acid conservation, physicochemical variation, residue mobility, and thermodynamic stability) indicates that this missense variant is not expected to disrupt BRCA2 protein function with a negative predictive value of 95%. In summary, the available evidence is currently insufficient to determine the role of this variant in disease. Therefore, it has been classified as a Variant of Uncertain Significance.

NM_000059.4(BRCA2):c.5089A>G (p.Ile1697Val)

Gene: BRCA2 (BRCA2 DNA repair associated; plus strand). Cytogenetic location: 13q13.1.
Variant type: single nucleotide variant.
Coding change: c.5089A>G on transcript NM_000059.4 (MANE Select); coding-DNA position 5089, A replaced by G.
Protein change: p.Ile1697Val; replaces isoleucine 1697 with valine.
Molecular consequence: missense variant. On other transcripts: non-coding transcript variant (1), intron variant (2).
Genome position (GRCh38, 1-based): chr13:32,339,444, A>G. VCF-style: chr13-32339444-A-G. GRCh37 (hg19) VCF-style: chr13-32913581-A-G.
Other names: c.5089A>G, p.Ile1697Val (NM_001406719.1, NM_001406720.1, NM_001432077.1); c.1910-5114A>G (NM_001406721.1); c.425-5114A>G (NM_001406722.1); short protein forms I1697V.
Identifiers: ClinVar variation 3636488 (VCV003636488.2).